The following is an entry in ClinVar:

ClinVar aggregate classification (germline): Benign/Likely benign. Review status: criteria provided, multiple submitters, no conflicts (2 of 4 stars). 5 submissions from 5 submitters: Benign (4); Likely benign (1). Last evaluated 2026-02-04.

Conditions:
Ehlers-Danlos syndrome, musculocontractural type 2 (EDSMC2). Identifiers: Orphanet 2953, MedGen C3809845, MONDO:0014236, OMIM 615539.

Allele frequency attached by ClinVar (database versions not stated): 1000 Genomes Project 30x 0.02171; 1000 Genomes Project 0.02196; gnomAD 0.04141; TOPMed 0.04300; ESP Exome Variant Server 0.05021.
gnomAD v4.1: 92,444 of 1,614,064 alleles (5.7%); highest among the groups gnomAD compares: Non-Finnish European, 6.7%; 3,052 homozygotes.

Submissions (5):

Labcorp Genetics (formerly Invitae), Labcorp
Classification: Benign for Ehlers-Danlos syndrome, musculocontractural type 2. Last evaluated: 2026-02-04. Review status: criteria provided, single submitter. Criteria: Invitae Variant Classification Sherloc (09022015). Collection method: clinical testing. Allele origin: germline.

Women's Health and Genetics/Laboratory Corporation of America, LabCorp
Classification: Likely benign. Last evaluated: 2026-01-22. Review status: criteria provided, single submitter. Criteria: LabCorp Variant Classification Summary - May 2015. Collection method: clinical testing. Allele origin: germline.

Blueprint Genetics
Classification: Benign. Last evaluated: 2024-11-26. Review status: criteria provided, single submitter. Criteria: ACMG Guidelines, 2015. Collection method: clinical testing. Allele origin: germline.

Mayo Clinic Laboratories, Mayo Clinic
Classification: Benign. Last evaluated: 2022-04-26. Review status: criteria provided, single submitter. Criteria: ACMG Guidelines, 2015. Collection method: clinical testing. Allele origin: germline. Observed: 352 variant alleles.

GeneDx
Classification: Benign. Last evaluated: 2016-09-30. Review status: criteria provided, single submitter. Criteria: GeneDx Variant Classification (06012015). Collection method: clinical testing. Allele origin: germline. Affected: yes.
Comment: This variant is considered likely benign or benign based on one or more of the following criteria: it is a conservative change, it occurs at a poorly conserved position in the protein, it is predicted to be benign by multiple in silico algorithms, and/or has population frequency not consistent with disease.

NM_013352.4(DSE):c.101C>T (p.Pro34Leu)

Gene: DSE (dermatan sulfate epimerase; plus strand). Cytogenetic location: 6q22.1.
Variant type: single nucleotide variant.
Coding change: c.101C>T on transcript NM_013352.4 (MANE Select); coding-DNA position 101, C replaced by T.
Protein change: p.Pro34Leu; replaces proline 34 with leucine.
Molecular consequence: missense variant. On other transcripts: 5 prime UTR variant (4), non-coding transcript variant (1).
Genome position (GRCh38, 1-based): chr6:116,399,351, C>T. VCF-style: chr6-116399351-C-T. GRCh37 (hg19) VCF-style: chr6-116720514-C-T.
Other names: p.Pro34Leu; c.101C>T, p.Pro34Leu (NM_001080976.3, NM_001322937.2, NM_001322938.2 and 3 more transcripts); c.158C>T, p.Pro53Leu (NM_001322939.2); c.-457C>T (NM_001322940.2, NM_001322941.2); c.-800C>T (NM_001374520.1); c.-487C>T (NM_001374521.1); short protein forms P34L, P53L.
Identifiers: ClinVar variation 384700 (VCV000384700.13), dbSNP rs35548455, ClinGen allele CA3969458.